The following is an entry in ClinVar:

ClinVar aggregate classification (germline): Uncertain significance. Review status: criteria provided, multiple submitters, no conflicts (2 of 4 stars). 3 submissions from 3 submitters: Uncertain significance (3). Last evaluated 2025-05-26.

Conditions:
Otitis media, susceptibility to (OMS). Also called: COME/ROM; OTITIS MEDIA, CHRONIC/RECURRENT. Identifiers: MedGen C1833692, MONDO:0008162, OMIM 166760.

Allele frequency attached by ClinVar (database versions not stated): gnomAD exomes 0.00002 and 0.00004; ExAC 0.00004; gnomAD 0.00002; 1000 Genomes Project 30x 0.00016; 1000 Genomes Project 0.00020.
gnomAD v4.1: 29 of 1,613,290 alleles (0.0018%); highest among the groups gnomAD compares: South Asian, 0.0066%; no homozygotes.

Submissions (3):

Labcorp Genetics (formerly Invitae), Labcorp
Classification: Uncertain significance. Last evaluated: 2025-05-26. Review status: criteria provided, single submitter. Criteria: Invitae Variant Classification Sherloc (09022015). Collection method: clinical testing. Allele origin: germline.
Comment: This sequence change replaces arginine, which is basic and polar, with cysteine, which is neutral and slightly polar, at codon 730 of the A2ML1 protein (p.Arg730Cys). This variant is present in population databases (rs753349449, gnomAD 0.02%). This variant has not been reported in the literature in individuals affected with A2ML1-related conditions. ClinVar contains an entry for this variant (Variation ID: 1464079). An algorithm developed to predict the effect of missense changes on protein structure and function (PolyPhen-2) suggests that this variant is likely to be disruptive. In summary, the available evidence is currently insufficient to determine the role of this variant in disease. Therefore, it has been classified as a Variant of Uncertain Significance.

Ambry Genetics
Classification: Uncertain significance. Last evaluated: 2024-07-14. Review status: criteria provided, single submitter. Criteria: Ambry Variant Classification Scheme 2023. Collection method: clinical testing. Allele origin: germline.
Comment: The p.R730C variant (also known as c.2188C>T), located in coding exon 18 of the A2ML1 gene, results from a C to T substitution at nucleotide position 2188. The arginine at codon 730 is replaced by cysteine, an amino acid with highly dissimilar properties. This amino acid position is conserved. In addition, the in silico prediction for this alteration is inconclusive. Since supporting evidence is limited at this time, the clinical significance of this alteration remains unclear.

Fulgent Genetics
Classification: Uncertain significance for Otitis media, susceptibility to. Last evaluated: 2022-01-04. Review status: criteria provided, single submitter. Criteria: ACMG Guidelines, 2015. Collection method: clinical testing. Allele origin: unknown.

NM_144670.6(A2ML1):c.2188C>T (p.Arg730Cys)

Gene: A2ML1 (alpha-2-macroglobulin like 1; plus strand). Cytogenetic location: 12p13.31.
Variant type: single nucleotide variant.
Coding change: c.2188C>T on transcript NM_144670.6 (MANE Select); coding-DNA position 2188, C replaced by T.
Protein change: p.Arg730Cys; replaces arginine 730 with cysteine.
Molecular consequence: missense variant.
Genome position (GRCh38, 1-based): chr12:8,850,228, C>T. VCF-style: chr12-8850228-C-T. GRCh37 (hg19) VCF-style: chr12-9002824-C-T.
Other names: c.715C>T, p.Arg239Cys (NM_001282424.3); short protein forms R239C, R730C.
Identifiers: ClinVar variation 1464079 (VCV001464079.12), dbSNP rs753349449, ClinGen allele CA6435933.